The following is an entry in ClinVar:

ClinVar aggregate classification (germline): Likely pathogenic. Review status: criteria provided, single submitter (1 of 4 stars). 2 submissions from 2 submitters: Likely pathogenic (1). 1 of the submissions does not count toward it. Last evaluated 2021-12-12.

Conditions:
Hereditary spastic paraplegia 15 (SPG15). Also called: SPASTIC PARAPLEGIA 15, AUTOSOMAL RECESSIVE; KJELLIN SYNDROME; SPASTIC PARAPLEGIA AND RETINAL DEGENERATION. Identifiers: Orphanet 100996, MedGen C1849128, MONDO:0010044, OMIM 270700.
Spastic paraplegia. Identifiers: MedGen C0037772, HP:0001258.

Allele frequency attached by ClinVar (database versions not stated): gnomAD exomes below 0.00001; gnomAD 0.00001; TOPMed 0.00001.
gnomAD v4.1: 5 of 1,486,354 alleles (0.00034%); highest among the groups gnomAD compares: Non-Finnish European, 0.00045%; no homozygotes.

Submissions (2):

Labcorp Genetics (formerly Invitae), Labcorp
Classification: Likely pathogenic for Spastic paraplegia. Last evaluated: 2021-12-12. Review status: criteria provided, single submitter. Criteria: Invitae Variant Classification Sherloc (09022015). Collection method: clinical testing. Allele origin: germline.
Comment: This sequence change affects an acceptor splice site in intron 16 of the ZFYVE26 gene. It is expected to disrupt RNA splicing. Variants that disrupt the donor or acceptor splice site typically lead to a loss of protein function (PMID: 16199547), and loss-of-function variants in ZFYVE26 are known to be pathogenic (PMID: 18394578, 19805727). This variant is not present in population databases (gnomAD no frequency). This variant has not been reported in the literature in individuals affected with ZFYVE26-related conditions. ClinVar contains an entry for this variant (Variation ID: 555861). Algorithms developed to predict the effect of sequence changes on RNA splicing suggest that this variant may disrupt the consensus splice site. In summary, the currently available evidence indicates that the variant is pathogenic, but additional data are needed to prove that conclusively. Therefore, this variant has been classified as Likely Pathogenic.

Counsyl
Classification: Likely pathogenic for Hereditary spastic paraplegia 15. Last evaluated: 2017-12-29. Review status: no assertion criteria provided. Collection method: clinical testing. Allele origin: unknown. Not counted in ClinVar's aggregate classification.

Literature cited by the submitters: PubMed 16199547 (cited by Labcorp Genetics (formerly Invitae), Labcorp); PubMed 18394578 (cited by Labcorp Genetics (formerly Invitae), Labcorp); PubMed 19805727 (cited by Labcorp Genetics (formerly Invitae), Labcorp).

NM_015346.4(ZFYVE26):c.3020-2A>G

Gene: ZFYVE26 (zinc finger FYVE-type containing 26; minus strand). Cytogenetic location: 14q24.1.
Variant type: single nucleotide variant.
Coding change: c.3020-2A>G on transcript NM_015346.4 (MANE Select); the canonical splice acceptor site of the intron before coding-DNA position 3020, A replaced by G.
Molecular consequence: splice acceptor variant.
Genome position (GRCh38, 1-based): chr14:67,786,235, T>C on the plus strand (A>G on the coding strand, the complement: ZFYVE26 is on the minus strand). VCF-style: chr14-67786235-T-C. GRCh37 (hg19) VCF-style: chr14-68252952-T-C.
Identifiers: ClinVar variation 555861 (VCV000555861.7), dbSNP rs1470672632, ClinGen allele CA390173160.
Genomic context (GRCh38, chr14:67,786,235, plus strand): 5'-AACAACTGGAAAACCTCGAATGCCATCAGCATTTAGGAGTACGTGGTCTATCCGTCGACC[T>C]GGAAATAGATGAAGGAAGAGGGAATGCAAAAAAAAAAAATTGAAGTGTTTTCAGAGATTG-3'